The following is an entry in ClinVar:

ClinVar aggregate classification (germline): Pathogenic (1 of 4 stars; one submission).

Submission:

Labcorp Genetics (formerly Invitae), Labcorp
Classification: Pathogenic. Last evaluated: 2023-12-30. Review status: criteria provided, single submitter. Criteria: Invitae Variant Classification Sherloc (09022015). Collection method: clinical testing. Allele origin: germline.
Comment: This sequence change creates a premature translational stop signal (p.Ser361Profs*7) in the FERMT1 gene. It is expected to result in an absent or disrupted protein product. Loss-of-function variants in FERMT1 are known to be pathogenic (PMID: 14962093, 21936020). This variant is not present in population databases (gnomAD no frequency). This variant has not been reported in the literature in individuals affected with FERMT1-related conditions. For these reasons, this variant has been classified as Pathogenic.

Literature cited by the submitters: PubMed 14962093; PubMed 21936020.

NM_017671.5(FERMT1):c.1081_1082del (p.Ser361fs)

Gene: FERMT1 (FERM domain containing kindlin 1; minus strand). Cytogenetic location: 20p12.3.
Variant type: Deletion.
Coding change: c.1081_1082del on transcript NM_017671.5 (MANE Select); coding-DNA positions 1081 to 1082, 2 bases deleted (AG; older notation c.1081_1082delAG).
Protein change: p.Ser361fs; shifts the reading frame from serine 361.
Molecular consequence: frameshift variant.
Genome position (GRCh38, 1-based): chr20:6,096,909-6,096,910, CT deleted on the plus strand (AG on the coding strand, the reverse complement: FERMT1 is on the minus strand). VCF-style (leftmost placement, unchanged base first): chr20-6096908-GCT-G. GRCh37 (hg19) VCF-style: chr20-6077555-GCT-G.
Other names: short protein forms S361fs.
Identifiers: ClinVar variation 2706697 (VCV002706697.3), dbSNP rs2514703437, ClinGen allele CA2697547288.